The following is an entry in ClinVar:

NM_004130.4(GYG1):c.482-123C>T

Gene: GYG1 (glycogenin 1; plus strand). Cytogenetic location: 3q24.
Variant type: single nucleotide variant.
Coding change: c.482-123C>T on transcript NM_004130.4 (MANE Select); 123 bases into the intron before coding-DNA position 482, C replaced by T.
Molecular consequence: intron variant.
Genome position (GRCh38, 1-based): chr3:149,009,153, C>T. VCF-style: chr3-149009153-C-T. GRCh37 (hg19) VCF-style: chr3-148726940-C-T.
Other names: c.482-123C>T (NM_001184720.2, NM_001184721.2).
Identifiers: ClinVar variation 668680 (VCV000668680.2), dbSNP rs559513486, ClinGen allele CA85504254.

ClinVar aggregate classification (germline): Likely benign. Review status: criteria provided, multiple submitters, no conflicts (2 of 4 stars). 2 submissions from 2 submitters: Likely benign (2). Last evaluated 2018-06-16.

Allele frequency attached by ClinVar (database versions not stated): gnomAD exomes 0.00083; gnomAD 0.00723; 1000 Genomes Project 0.01038; 1000 Genomes Project 30x 0.01077.
gnomAD v4.1: 1,474 of 693,040 alleles (0.21%); highest among the groups gnomAD compares: African/African-American, 2.5%; 16 homozygotes.

Submissions (2):

GeneDx
Classification: Likely benign. Last evaluated: 2018-06-16. Review status: criteria provided, single submitter. Criteria: GeneDx Variant Classification (06012015). Collection method: clinical testing. Allele origin: germline. Affected: yes.
Comment: This variant is considered likely benign or benign based on one or more of the following criteria: it is a conservative change, it occurs at a poorly conserved position in the protein, it is predicted to be benign by multiple in silico algorithms, and/or has population frequency not consistent with disease.

Breakthrough Genomics
Classification: Likely benign. Review status: criteria provided, single submitter. Criteria: ACMG Guidelines, 2015. Collection method: not provided. Allele origin: germline. Inheritance: Autosomal recessive inheritance. Affected: yes.